The following is an entry in ClinVar:

NM_000548.5(TSC2):c.2539C>G (p.Leu847Val)

Gene: TSC2 (TSC complex subunit 2; plus strand). Cytogenetic location: 16p13.3.
Variant type: single nucleotide variant.
Coding change: c.2539C>G on transcript NM_000548.5 (MANE Select); coding-DNA position 2539, C replaced by G.
Protein change: p.Leu847Val; replaces leucine 847 with valine.
Molecular consequence: missense variant. On other transcripts: non-coding transcript variant (5).
Genome position (GRCh38, 1-based): chr16:2,074,383, C>G. VCF-style: chr16-2074383-C-G. GRCh37 (hg19) VCF-style: chr16-2124384-C-G.
Other names: c.2539C>G, p.Leu847Val (NM_001077183.3, NM_001114382.3, NM_001363528.2 and 6 more transcripts); c.2428C>G, p.Leu810Val (NM_001318827.2, NM_001406670.1, NM_001406678.1); c.2392C>G, p.Leu798Val (NM_001318829.2, NM_001406675.1, NM_001406676.1 and 1 more transcripts); c.1939C>G, p.Leu647Val (NM_001318831.2, NM_001406680.1, NM_001406682.1 and 6 more transcripts); c.2572C>G, p.Leu858Val (NM_001318832.2); c.2629C>G, p.Leu877Val (NM_001406667.1, NM_001406668.1); c.2527C>G, p.Leu843Val (NM_001406671.1, NM_001406673.1); c.2482C>G, p.Leu828Val (NM_001406677.1); and 3 more; short protein forms L313V, L399V, L647V, L693V, L798V, L810V, L828V, L843V.
Identifiers: ClinVar variation 3045282 (VCV003045282.2), dbSNP rs377300009, ClinGen allele CA394278021.

ClinVar aggregate classification (germline): Uncertain significance (0 of 4 stars; one submission).

Conditions:
TSC2-related disorder. Also called: TSC2-Related Disorders; TSC2-related condition.

gnomAD v4.1: 1 of 1,610,700 alleles (0.000062%); highest among the groups gnomAD compares: Admixed American, 0.0017%; no homozygotes.

Submission:

PreventionGenetics, part of Exact Sciences
Classification: Uncertain significance for TSC2-related condition. Last evaluated: 2023-11-29. Review status: no assertion criteria provided. Collection method: clinical testing. Allele origin: germline.
Comment: The TSC2 c.2539C>G variant is predicted to result in the amino acid substitution p.Leu847Val. To our knowledge, this variant has not been reported in the literature or in a large population database, indicating this variant is rare. Of note, a different substitution at the same codon defined as c.2540T>C (p.Leu847Pro) has been reported in individuals with tuberous sclerosis (Supplementary Table 1 of Ding et al. 2020. PubMed ID: 32211034; Li et al. 2011. PubMed ID: 21811971). At this time, the clinical significance of the p.Leu847Val variant is uncertain due to the absence of conclusive functional and genetic evidence.